The following is an entry in ClinVar:

NM_015662.3(IFT172):c.1828C>T (p.Arg610Trp)

Gene: IFT172 (intraflagellar transport 172; minus strand). Cytogenetic location: 2p23.3.
Variant type: single nucleotide variant.
Coding change: c.1828C>T on transcript NM_015662.3 (MANE Select); coding-DNA position 1828, C replaced by T.
Protein change: p.Arg610Trp; replaces arginine 610 with tryptophan.
Molecular consequence: missense variant.
Genome position (GRCh38, 1-based): chr2:27,465,747, G>A on the plus strand (C>T on the coding strand, the complement: IFT172 is on the minus strand). VCF-style: chr2-27465747-G-A. GRCh37 (hg19) VCF-style: chr2-27688614-G-A.
Other names: c.1828C>T (NM_015662.2); c.1762C>T, p.Arg588Trp (NM_001410739.1); short protein forms R588W, R610W.
Identifiers: ClinVar variation 4954348 (VCV004954348.2).

ClinVar aggregate classification (germline): Uncertain significance. Review status: criteria provided, multiple submitters, no conflicts (2 of 4 stars). 2 submissions from 2 submitters: Uncertain significance (2). Last evaluated 2026-02-23.

Conditions:
IFT172-related disorder. Also called: IFT172-related condition; IFT172-related disorders.

gnomAD v4.1: 23 of 1,613,918 alleles (0.0014%); highest among the groups gnomAD compares: African/African-American, 0.0027%; no homozygotes.

Submissions (2):

PreventionGenetics, part of Exact Sciences
Classification: Uncertain significance for IFT172-related condition. Last evaluated: 2026-02-23. Review status: criteria provided, single submitter. Criteria: ACMG Guidelines, 2015. Collection method: clinical testing. Allele origin: germline.
Comment: The IFT172 c.1828C>T variant is predicted to result in the amino acid substitution p.Arg610Trp. To our knowledge, this variant has not been reported in the literature. This variant is reported in 0.0029% of alleles in individuals of Latino descent in gnomAD. At this time, the clinical significance of this variant is uncertain due to the absence of conclusive functional and genetic evidence.

Blueprint Genetics
Classification: Uncertain significance. Last evaluated: 2019-11-12. Review status: criteria provided, single submitter. Criteria: ACMG Guidelines, 2015. Collection method: clinical testing. Allele origin: germline.